The following is an entry in ClinVar:

NM_181486.4(TBX5):c.1312C>T (p.Arg438Trp)

Gene: TBX5 (T-box transcription factor 5; minus strand). Cytogenetic location: 12q24.21.
Variant type: single nucleotide variant.
Coding change: c.1312C>T on transcript NM_181486.4 (MANE Select); coding-DNA position 1312, C replaced by T.
Protein change: p.Arg438Trp; replaces arginine 438 with tryptophan.
Molecular consequence: missense variant.
Genome position (GRCh38, 1-based): chr12:114,355,777, G>A on the plus strand (C>T on the coding strand, the complement: TBX5 is on the minus strand). VCF-style: chr12-114355777-G-A. GRCh37 (hg19) VCF-style: chr12-114793582-G-A.
Other names: c.1312C>T, p.Arg438Trp (NM_000192.3); c.1162C>T, p.Arg388Trp (NM_080717.4); short protein forms R388W, R438W.
Identifiers: ClinVar variation 3453921 (VCV003453921.1).

ClinVar aggregate classification (germline): Uncertain significance (1 of 4 stars; one submission).

Conditions:
Cardiovascular phenotype. Identifiers: MedGen CN230736.

gnomAD v4.1: 10 of 1,613,974 alleles (0.00062%); highest among the groups gnomAD compares: African/African-American, 0.0027%; no homozygotes.

Submission:

Ambry Genetics
Classification: Uncertain significance for Cardiovascular phenotype. Last evaluated: 2024-09-17. Review status: criteria provided, single submitter. Criteria: Ambry Variant Classification Scheme 2023. Collection method: clinical testing. Allele origin: germline.
Comment: The p.R438W variant (also known as c.1312C>T), located in coding exon 8 of the TBX5 gene, results from a C to T substitution at nucleotide position 1312. The arginine at codon 438 is replaced by tryptophan, an amino acid with dissimilar properties. This amino acid position is conserved. In addition, this alteration is predicted to be deleterious by in silico analysis. Based on the available evidence, the clinical significance of this variant remains unclear.